The following is an entry in ClinVar:

ClinVar aggregate classification (germline): Uncertain significance (1 of 4 stars; one submission).

Conditions:
Congenital myotonia, autosomal dominant form (THD). Also called: THOMSEN DISEASE; Myotonia congenita autosomal dominant. Identifiers: Orphanet 614, MedGen C2936781, MONDO:0008055, OMIM 160800.
Congenital myotonia, autosomal recessive form. Also called: Becker Generalized Myotonia; myotonia congenita, autosomal recessive; BECKER DISEASE. Identifiers: Orphanet 614, MedGen C0751360, MONDO:0009715, OMIM 255700.

Submission:

Labcorp Genetics (formerly Invitae), Labcorp
Classification: Uncertain significance for Congenital myotonia, autosomal recessive form; Congenital myotonia, autosomal dominant form. Last evaluated: 2025-09-05. Review status: criteria provided, single submitter. Criteria: Invitae Variant Classification Sherloc (09022015). Collection method: clinical testing. Allele origin: germline.
Comment: This sequence change replaces threonine, which is neutral and polar, with alanine, which is neutral and non-polar, at codon 476 of the CLCN1 protein (p.Thr476Ala). This variant is not present in population databases (gnomAD no frequency). This variant has not been reported in the literature in individuals affected with CLCN1-related conditions. ClinVar contains an entry for this variant (Variation ID: 3754132). Invitae Evidence Modeling of protein sequence and biophysical properties (such as structural, functional, and spatial information, amino acid conservation, physicochemical variation, residue mobility, and thermodynamic stability) indicates that this missense variant is expected to disrupt CLCN1 protein function with a positive predictive value of 95%. In summary, the available evidence is currently insufficient to determine the role of this variant in disease. Therefore, it has been classified as a Variant of Uncertain Significance.

NM_000083.3(CLCN1):c.1426A>G (p.Thr476Ala)

Gene: CLCN1 (chloride voltage-gated channel 1; plus strand). Cytogenetic location: 7q34.
Variant type: single nucleotide variant.
Coding change: c.1426A>G on transcript NM_000083.3 (MANE Select); coding-DNA position 1426, A replaced by G.
Protein change: p.Thr476Ala; replaces threonine 476 with alanine.
Molecular consequence: missense variant. On other transcripts: non-coding transcript variant (1).
Genome position (GRCh38, 1-based): chr7:143,339,277, A>G. VCF-style: chr7-143339277-A-G. GRCh37 (hg19) VCF-style: chr7-143036370-A-G.
Other names: short protein forms T476A.
Identifiers: ClinVar variation 3754132 (VCV003754132.2).